The following is an entry in ClinVar:

NM_002860.4(ALDH18A1):c.551C>T (p.Ala184Val)

Gene: ALDH18A1 (aldehyde dehydrogenase 18 family member A1; minus strand). Cytogenetic location: 10q24.1.
Variant type: single nucleotide variant.
Coding change: c.551C>T on transcript NM_002860.4 (MANE Select); coding-DNA position 551, C replaced by T.
Protein change: p.Ala184Val; replaces alanine 184 with valine.
Molecular consequence: missense variant. On other transcripts: intron variant (2).
Genome position (GRCh38, 1-based): chr10:95,637,100, G>A on the plus strand (C>T on the coding strand, the complement: ALDH18A1 is on the minus strand). VCF-style: chr10-95637100-G-A. GRCh37 (hg19) VCF-style: chr10-97396857-G-A.
Other names: p.Ala184Val; c.551C>T, p.Ala184Val (NM_001017423.2, NM_001323413.2, NM_001323414.2 and 1 more transcripts); c.218C>T, p.Ala73Val (NM_001323412.2, NM_001323416.2, NM_001323418.2); c.-78-3451C>T (NM_001323419.2); c.453+187C>T (NM_001323417.2); short protein forms A184V, A73V.
Identifiers: ClinVar variation 464042 (VCV000464042.40), dbSNP rs201428777, ClinGen allele CA5620586.

ClinVar aggregate classification (germline): Conflicting classifications of pathogenicity. Review status: criteria provided, conflicting classifications (1 of 4 stars). 7 submissions from 7 submitters: Uncertain significance (5); Likely benign (2). Last evaluated 2025-10-15.

Conditions:
Autosomal dominant spastic paraplegia type 9. Identifiers: MedGen C1832669, MONDO:0015091.
de Barsy syndrome. Also called: Cutis laxa-corneal clouding-oligophrenia syndrome. Identifiers: Orphanet 2962, MedGen C0268354, MONDO:0017569.
Cutis laxa, autosomal dominant 3 (ADCL3). Identifiers: Orphanet 90348, MedGen C4225268, MONDO:0014706, OMIM 616603.
Inborn genetic diseases. Identifiers: MedGen C0950123, MeSH D030342.
Hereditary spastic paraplegia. Also called: Familial spastic paraparesis. Identifiers: Orphanet 685, MedGen C0037773, MONDO:0019064. Disease mechanism: loss of function.

Allele frequency attached by ClinVar (database versions not stated): gnomAD 0.00001 and 0.00004; gnomAD exomes 0.00003 and 0.00008; TOPMed 0.00003; ExAC 0.00011; 1000 Genomes Project 0.00040; 1000 Genomes Project 30x 0.00047.
gnomAD v4.1: 46 of 1,614,072 alleles (0.0028%); highest among the groups gnomAD compares: Admixed American, 0.03%; no homozygotes.

Submissions (7):

Labcorp Genetics (formerly Invitae), Labcorp
Classification: Likely benign for Autosomal dominant spastic paraplegia type 9; de Barsy syndrome; Cutis laxa, autosomal dominant 3. Last evaluated: 2025-10-15. Review status: criteria provided, single submitter. Criteria: Invitae Variant Classification Sherloc (09022015). Collection method: clinical testing. Allele origin: germline.

Blueprint Genetics
Classification: Likely benign. Last evaluated: 2024-08-09. Review status: criteria provided, single submitter. Criteria: ACMG Guidelines, 2015. Collection method: clinical testing. Allele origin: germline.

CeGaT Center for Human Genetics Tuebingen
Classification: Uncertain significance. Last evaluated: 2023-08-01. Review status: criteria provided, single submitter. Criteria: CeGaT Center For Human Genetics Tuebingen Variant Classification Criteria Version 2. Collection method: clinical testing. Allele origin: germline. Affected: yes. Observed: 1 variant allele.

Mayo Clinic Laboratories, Mayo Clinic
Classification: Uncertain significance. Last evaluated: 2023-07-26. Review status: criteria provided, single submitter. Criteria: ACMG Guidelines, 2015. Collection method: clinical testing. Allele origin: germline. Observed: 1 variant allele.
Comment: BP4

Ambry Genetics
Classification: Uncertain significance for Inborn genetic diseases. Last evaluated: 2022-02-25. Review status: criteria provided, single submitter. Criteria: Ambry Variant Classification Scheme 2023. Collection method: clinical testing. Allele origin: germline.
Comment: Unlikely to be causative of P5CS deficiency (AD) Based on insufficient or conflicting evidence, the clinical significance of this alteration remains unclear.

Genome Diagnostics Laboratory, The Hospital for Sick Children
Classification: Uncertain significance for Hereditary spastic paraplegia. Last evaluated: 2017-10-02. Review status: criteria provided, single submitter. Criteria: ACMG Guidelines, 2015. Collection method: clinical testing. Allele origin: germline. Affected: yes.

Breakthrough Genomics
Classification: Uncertain significance. Review status: criteria provided, single submitter. Criteria: ACMG Guidelines, 2015. Collection method: not provided. Allele origin: germline. Inheritance: Autosomal recessive inheritance. Affected: yes.